The following is an entry in ClinVar:

ClinVar aggregate classification (germline): Likely benign. Review status: criteria provided, multiple submitters, no conflicts (2 of 4 stars). 2 submissions from 2 submitters: Likely benign (2). Last evaluated 2025-04-01.

Conditions:
Familial cold autoinflammatory syndrome 2 (FCAS2). Identifiers: Orphanet 247868, MedGen C2673198, MONDO:0012724, OMIM 611762.

Allele frequency attached by ClinVar (database versions not stated): gnomAD exomes below 0.00001; gnomAD 0.00001; TOPMed 0.00001.
gnomAD v4.1: 5 of 1,611,548 alleles (0.00031%); highest among the groups gnomAD compares: Non-Finnish European, 0.00042%; no homozygotes.

Submissions (2):

CeGaT Center for Human Genetics Tuebingen
Classification: Likely benign. Last evaluated: 2025-04-01. Review status: criteria provided, single submitter. Criteria: CeGaT Center For Human Genetics Tuebingen Variant Classification Criteria Version 2. Collection method: clinical testing. Allele origin: germline. Affected: yes. Observed: 1 variant allele.
Comment: NLRP12: BP4, BP7

Labcorp Genetics (formerly Invitae), Labcorp
Classification: Likely benign for Familial cold autoinflammatory syndrome 2. Last evaluated: 2023-10-17. Review status: criteria provided, single submitter. Criteria: Invitae Variant Classification Sherloc (09022015). Collection method: clinical testing. Allele origin: germline.

NM_144687.4(NLRP12):c.2587C>T (p.Leu863=)

Gene: NLRP12 (NLR family pyrin domain containing 12; minus strand). Cytogenetic location: 19q13.42.
Variant type: single nucleotide variant.
Coding change: c.2587C>T on transcript NM_144687.4 (MANE Select); coding-DNA position 2587, C replaced by T.
Protein change: p.Leu863=; no amino-acid change (leucine 863 retained).
Molecular consequence: synonymous variant.
Genome position (GRCh38, 1-based): chr19:53,801,396, G>A on the plus strand (C>T on the coding strand, the complement: NLRP12 is on the minus strand). VCF-style: chr19-53801396-G-A. GRCh37 (hg19) VCF-style: chr19-54304650-G-A.
Other names: c.2590C>T, p.Leu864= (NM_001277126.2); c.2587C>T, p.Leu863= (NM_001277129.1).
Identifiers: ClinVar variation 2998997 (VCV002998997.10), dbSNP rs1310490268, ClinGen allele CA508774143.
Genomic context (GRCh38, chr19:53,801,396, plus strand): 5'-TCACACTGAGAGTTGAGGCCAGCTCGTCACAGGCAGCAGCAGTGAGGCGGCAGATCTTCA[G>A]CCTGCACAAAGTCCAATTCAACAAGCATTATGGAGGCTTTCCTTTCTTTTTCTTTTTTTT-3'
Protein context (NP_653288.1, residues 853-873): HPVCRLRTLW[Leu863=]KICRLTAAAC